The following is an entry in ClinVar:

NC_000014.8:g.(23249261_23282108)_(23289021_?)del

Gene: SLC7A7 (solute carrier family 7 member 7; minus strand). Cytogenetic location: 14q11.2.
Variant type: Deletion.
Identifiers: ClinVar variation 1723308 (VCV001723308.1).

ClinVar aggregate classification (germline): Likely pathogenic (1 of 4 stars; one submission).

Conditions:
Lysinuric protein intolerance (LPI). Identifiers: Orphanet 470, MedGen C0268647, MONDO:0009109, OMIM 222700.

Submission:

Women's Health and Genetics/Laboratory Corporation of America, LabCorp
Classification: Likely pathogenic for Lysinuric protein intolerance. Last evaluated: 2022-10-13. Review status: criteria provided, single submitter. Criteria: LabCorp Variant Classification Summary - May 2015. Collection method: clinical testing. Allele origin: germline.
Comment: Variant summary: The variant identified by MLPA or other technology involves the deletion of exons 1-3 in the SLC7A7 gene (exon 1 and 2 of SLC7A7 are non-coding regions). A presumed nomenclature of c.(?_-349)_(499+1_500-1)del has been designated for the purposes of this classification. Although exact breakpoints of this deletion are not known, it is expected to result in an absent or disrupted SLC7A7 protein, a known mechanism of disease. The variant allele was found at a frequency of 4.6e-05 in 21692 control chromosomes (gnomAD SVs, Structural Variants dataset). To our knowledge, no occurrence of c.(?_-349)_(499+1_500-1)del in individuals affected with Lysinuric Protein Intolerance and no experimental evidence demonstrating its impact on protein function have been reported. At least two ClinVar variation ID (1076351, 833005) include exon 3 deletion or exon2-3 deletion, and classified this variant as pathogenic. Based on the evidence outlined above, the variant was classified as likely pathogenic.